The following is an entry in ClinVar:

ClinVar aggregate classification (germline): Uncertain significance (1 of 4 stars; one submission).

Submission:

Labcorp Genetics (formerly Invitae), Labcorp
Classification: Uncertain significance. Last evaluated: 2025-10-06. Review status: criteria provided, single submitter. Criteria: Invitae Variant Classification Sherloc (09022015). Collection method: clinical testing. Allele origin: germline.
Comment: This sequence change replaces proline, which is neutral and non-polar, with serine, which is neutral and polar, at codon 466 of the AGAP1 protein (p.Pro466Ser). The frequency data for this variant in the population databases is considered unreliable, as metrics indicate poor data quality at this position in the gnomAD database. This variant has not been reported in the literature in individuals affected with AGAP1-related conditions. An algorithm developed to predict the effect of missense changes on protein structure and function (PolyPhen-2) suggests that this variant is likely to be disruptive. In summary, the available evidence is currently insufficient to determine the role of this variant in disease. Therefore, it has been classified as a Variant of Uncertain Significance.

NM_001037131.3(AGAP1):c.1555C>T (p.Pro519Ser)

Gene: AGAP1 (ArfGAP with GTPase domain, ankyrin repeat and PH domain 1; plus strand). Cytogenetic location: 2q37.2.
Variant type: single nucleotide variant.
Coding change: c.1555C>T on transcript NM_001037131.3 (MANE Select); coding-DNA position 1555, C replaced by T.
Protein change: p.Pro519Ser; replaces proline 519 with serine.
Molecular consequence: missense variant.
Genome position (GRCh38, 1-based): chr2:235,968,533, C>T. VCF-style: chr2-235968533-C-T. GRCh37 (hg19) VCF-style: chr2-236877177-C-T.
Other names: c.2350C>T, p.Pro784Ser (NM_001436125.1); c.2191C>T, p.Pro731Ser (NM_001436126.1); c.1396C>T, p.Pro466Ser (NM_014914.5); short protein forms P466S, P731S, P519S, P784S.
Identifiers: ClinVar variation 4773039 (VCV004773039.1).